The following is an entry in ClinVar:

NM_013266.4(CTNNA3):c.514A>C (p.Lys172Gln)

Gene: CTNNA3 (catenin alpha 3; minus strand). Cytogenetic location: 10q21.3.
Variant type: single nucleotide variant.
Coding change: c.514A>C on transcript NM_013266.4 (MANE Select); coding-DNA position 514, A replaced by C.
Protein change: p.Lys172Gln; replaces lysine 172 with glutamine.
Molecular consequence: missense variant.
Genome position (GRCh38, 1-based): chr10:67,521,907, T>G on the plus strand (A>C on the coding strand, the complement: CTNNA3 is on the minus strand). VCF-style: chr10-67521907-T-G. GRCh37 (hg19) VCF-style: chr10-69281665-T-G.
Other names: c.514A>C, p.Lys172Gln (NM_001127384.3); c.550A>C, p.Lys184Gln (NM_001291133.2); short protein forms K184Q, K172Q.
Identifiers: ClinVar variation 3666274 (VCV003666274.2).

ClinVar aggregate classification (germline): Uncertain significance (1 of 4 stars; one submission).

Conditions:
Arrhythmogenic right ventricular dysplasia 13. Also called: Arrhythmogenic right ventricular dysplasia, familial, 13; ARRHYTHMOGENIC RIGHT VENTRICULAR CARDIOMYOPATHY 13. Identifiers: MedGen C3810138, MONDO:0000908, OMIM 615616.

gnomAD v4.1: 5 of 1,612,958 alleles (0.00031%); highest among the groups gnomAD compares: Non-Finnish European, 0.00042%; no homozygotes.

Submission:

Labcorp Genetics (formerly Invitae), Labcorp
Classification: Uncertain significance for Arrhythmogenic right ventricular dysplasia 13. Last evaluated: 2024-10-09. Review status: criteria provided, single submitter. Criteria: Invitae Variant Classification Sherloc (09022015). Collection method: clinical testing. Allele origin: germline.
Comment: This sequence change replaces lysine, which is basic and polar, with glutamine, which is neutral and polar, at codon 172 of the CTNNA3 protein (p.Lys172Gln). The frequency data for this variant in the population databases is considered unreliable, as metrics indicate poor data quality at this position in the gnomAD database. This variant has not been reported in the literature in individuals affected with CTNNA3-related conditions. Invitae Evidence Modeling of protein sequence and biophysical properties (such as structural, functional, and spatial information, amino acid conservation, physicochemical variation, residue mobility, and thermodynamic stability) indicates that this missense variant is not expected to disrupt CTNNA3 protein function with a negative predictive value of 80%. In summary, the available evidence is currently insufficient to determine the role of this variant in disease. Therefore, it has been classified as a Variant of Uncertain Significance.